The following is an entry in ClinVar:

NM_005559.4(LAMA1):c.4818A>G (p.Leu1606=)

Gene: LAMA1 (laminin subunit alpha 1; minus strand). Cytogenetic location: 18p11.31.
Variant type: single nucleotide variant.
Coding change: c.4818A>G on transcript NM_005559.4 (MANE Select); coding-DNA position 4818, A replaced by G.
Protein change: p.Leu1606=; no amino-acid change (leucine 1606 retained).
Molecular consequence: synonymous variant.
Genome position (GRCh38, 1-based): chr18:6,995,435, T>C on the plus strand (A>G on the coding strand, the complement: LAMA1 is on the minus strand). VCF-style: chr18-6995435-T-C. GRCh37 (hg19) VCF-style: chr18-6995434-T-C.
Identifiers: ClinVar variation 4823681 (VCV004823681.4).

ClinVar aggregate classification (germline): Likely benign (1 of 4 stars; one submission).

Submission:

CeGaT Center for Human Genetics Tuebingen
Classification: Likely benign. Last evaluated: 2026-03-01. Review status: criteria provided, single submitter. Criteria: CeGaT Center For Human Genetics Tuebingen Variant Classification Criteria Version 2. Collection method: clinical testing. Allele origin: germline. Affected: yes. Observed: 1 variant allele.
Comment: LAMA1: BP4, BP7